The following is an entry in ClinVar:

ClinVar aggregate classification (germline): Pathogenic/Likely pathogenic. Review status: criteria provided, multiple submitters, no conflicts (2 of 4 stars). 3 submissions from 3 submitters: Pathogenic (1); Likely pathogenic (2). Last evaluated 2024-08-30.

Conditions:
Severe myoclonic epilepsy in infancy (DRVT). Also called: Epileptic encephalopathy, early infantile, 6 (Dravet syndrome); SEVERE MYOCLONIC EPILEPSY OF INFANCY; DEVELOPMENTAL AND EPILEPTIC ENCEPHALOPATHY 6A; Severe Myoclonic Epilepsy in Infancy (SMEI); Dravet syndrome. Identifiers: Orphanet 33069, MedGen C0751122, MONDO:0100135, OMIM 607208.
Migraine, familial hemiplegic, 3. Identifiers: Orphanet 569, MedGen C1864987, MONDO:0012320, OMIM 609634.
Generalized epilepsy with febrile seizures plus, type 2 (GEFSP2). Also called: GEFS+, TYPE 2. Identifiers: Orphanet 36387, MedGen C1858673, MONDO:0011461, OMIM 604403.
Developmental and epileptic encephalopathy 6B. Also called: Developmental and epileptic encephalopathy 6B, non-Dravet. Identifiers: MedGen C5543353, MONDO:0030268, OMIM 619317.
Early-infantile DEE. Also called: Early infantile epileptic encephalopathy with suppression bursts; Early infantile epileptic encephalopathy; Ohtahara syndrome. Identifiers: Orphanet 1934, MedGen C0393706, MONDO:0800491.

Submissions (3):

GeneDx
Classification: Likely pathogenic. Last evaluated: 2024-08-30. Review status: criteria provided, single submitter. Criteria: GeneDx Variant Classification Process June 2021. Collection method: clinical testing. Allele origin: germline. Affected: yes.
Comment: Reported in a patient with borderline severe myoclonic epilepsy of infancy (PMID: 29745119); Not observed at significant frequency in large population cohorts (gnomAD); In silico analysis supports that this missense variant has a deleterious effect on protein structure/function; This substitution is predicted to be within the extracellular loop between the S5 and S6 transmembrane segments of the first homologous domain (Uniprot); This variant is associated with the following publications: (PMID: 29745119)

Labcorp Genetics (formerly Invitae), Labcorp
Classification: Pathogenic for Early-infantile DEE. Last evaluated: 2022-07-19. Review status: criteria provided, single submitter. Criteria: Invitae Variant Classification Sherloc (09022015). Collection method: clinical testing. Allele origin: germline.
Comment: For these reasons, this variant has been classified as Pathogenic. This variant disrupts the p.Gly271 amino acid residue in SCN1A. Other variant(s) that disrupt this residue have been determined to be pathogenic (Invitae). This suggests that this residue is clinically significant, and that variants that disrupt this residue are likely to be disease-causing. Advanced modeling of protein sequence and biophysical properties (such as structural, functional, and spatial information, amino acid conservation, physicochemical variation, residue mobility, and thermodynamic stability) performed at Invitae indicates that this missense variant is expected to disrupt SCN1A protein function. ClinVar contains an entry for this variant (Variation ID: 1418113). This missense change has been observed in individual(s) with SCN1A-related conditions (PMID: 29745119). This variant is not present in population databases (gnomAD no frequency). This sequence change replaces glycine, which is neutral and non-polar, with serine, which is neutral and polar, at codon 271 of the SCN1A protein (p.Gly271Ser).

Fulgent Genetics
Classification: Likely pathogenic for Generalized epilepsy with febrile seizures plus, type 2; Severe myoclonic epilepsy in infancy; Migraine, familial hemiplegic, 3; Developmental and epileptic encephalopathy 6B. Last evaluated: 2022-05-18. Review status: criteria provided, single submitter. Criteria: ACMG Guidelines, 2015. Collection method: clinical testing. Allele origin: unknown.

Literature cited by the submitters: PubMed 29745119 (cited by Labcorp Genetics (formerly Invitae), Labcorp).

NM_001165963.4(SCN1A):c.811G>A (p.Gly271Ser)

Gene: SCN1A (sodium voltage-gated channel alpha subunit 1; minus strand). Cytogenetic location: 2q24.3.
Variant type: single nucleotide variant.
Coding change: c.811G>A on transcript NM_001165963.4 (MANE Select); coding-DNA position 811, G replaced by A.
Protein change: p.Gly271Ser; replaces glycine 271 with serine.
Molecular consequence: missense variant. On other transcripts: 5 prime UTR variant (1), non-coding transcript variant (1).
Genome position (GRCh38, 1-based): chr2:166,051,872, C>T on the plus strand (G>A on the coding strand, the complement: SCN1A is on the minus strand). VCF-style: chr2-166051872-C-T. GRCh37 (hg19) VCF-style: chr2-166908382-C-T.
Other names: c.811G>A (NM_001165963.1); c.811G>A, p.Gly271Ser (NM_001165964.3, NM_001202435.3, NM_001353948.2 and 10 more transcripts); c.-1615G>A (NM_001353961.2); short protein forms G271S.
Identifiers: ClinVar variation 1418113 (VCV001418113.9), dbSNP rs2105889878, ClinGen allele CA349073228.